The following is an entry in ClinVar:

NM_018975.4(TERF2IP):c.490T>C (p.Trp164Arg)

Gene: TERF2IP (TERF2 interacting protein; plus strand). Cytogenetic location: 16q23.1.
Variant type: single nucleotide variant.
Coding change: c.490T>C on transcript NM_018975.4 (MANE Select); coding-DNA position 490, T replaced by C.
Protein change: p.Trp164Arg; replaces tryptophan 164 with arginine.
Molecular consequence: missense variant. On other transcripts: non-coding transcript variant (1).
Genome position (GRCh38, 1-based): chr16:75,648,372, T>C. VCF-style: chr16-75648372-T-C. GRCh37 (hg19) VCF-style: chr16-75682270-T-C.
Other names: short protein forms W164R.
Identifiers: ClinVar variation 1744050 (VCV001744050.2), dbSNP rs1248187481, ClinGen allele CA396818009.

ClinVar aggregate classification (germline): Uncertain significance (1 of 4 stars; one submission).

gnomAD v4.1: 1 of 1,604,614 alleles (0.000062%); highest among the groups gnomAD compares: African/African-American, 0.0013%; no homozygotes.

Submission:

Ambry Genetics
Classification: Uncertain significance. Last evaluated: 2021-06-15. Review status: criteria provided, single submitter. Criteria: Ambry Variant Classification Scheme 2023. Collection method: clinical testing. Allele origin: germline.
Comment: The p.W164R variant (also known as c.490T>C), located in coding exon 1 of the TERF2IP gene, results from a T to C substitution at nucleotide position 490. The tryptophan at codon 164 is replaced by arginine, an amino acid with dissimilar properties. This amino acid position is conserved. In addition, this alteration is predicted to be deleterious by in silico analysis. Since supporting evidence is limited at this time, the clinical significance of this alteration remains unclear.